The following is an entry in ClinVar:

NM_001128228.3(TPRN):c.1133C>G (p.Ala378Gly)

Gene: TPRN (taperin; minus strand). Cytogenetic location: 9q34.3.
Variant type: single nucleotide variant.
Coding change: c.1133C>G on transcript NM_001128228.3 (MANE Select); coding-DNA position 1133, C replaced by G.
Protein change: p.Ala378Gly; replaces alanine 378 with glycine.
Molecular consequence: missense variant.
Genome position (GRCh38, 1-based): chr9:137,199,579, G>C on the plus strand (C>G on the coding strand, the complement: TPRN is on the minus strand). VCF-style: chr9-137199579-G-C. GRCh37 (hg19) VCF-style: chr9-140094031-G-C.
Other names: short protein forms A378G.
Identifiers: ClinVar variation 1810607 (VCV001810607.7), dbSNP rs368424760, ClinGen allele CA5362811.

ClinVar aggregate classification (germline): Conflicting classifications of pathogenicity. Review status: criteria provided, conflicting classifications (1 of 4 stars). 4 submissions from 4 submitters: Uncertain significance (3); Likely benign (1). Last evaluated 2026-02-24.

Conditions:
TPRN-related disorder. Also called: TPRN-related condition.
Inborn genetic diseases. Identifiers: MedGen C0950123, MeSH D030342.

Allele frequency attached by ClinVar (database versions not stated): gnomAD 0.00017; ESP Exome Variant Server 0.00032; 1000 Genomes Project 0.00040; 1000 Genomes Project 30x 0.00047.
gnomAD v4.1: 129 of 1,555,884 alleles (0.0083%); highest among the groups gnomAD compares: Middle Eastern, 0.17%; 1 homozygote.

Submissions (4):

PreventionGenetics, part of Exact Sciences
Classification: Uncertain significance for TPRN-related condition. Last evaluated: 2026-02-24. Review status: criteria provided, single submitter. Criteria: ACMG Guidelines, 2015. Collection method: clinical testing. Allele origin: germline.
Comment: The TPRN c.1133C>G variant is predicted to result in the amino acid substitution p.Ala378Gly. To our knowledge, this variant has not been reported in the literature. This variant is reported in 0.031% of alleles in individuals of African descent in gnomAD, including one homozygous individual. At this time, the clinical significance of this variant is uncertain due to the absence of conclusive functional and genetic evidence.

Blueprint Genetics
Classification: Likely benign. Last evaluated: 2024-11-15. Review status: criteria provided, single submitter. Criteria: ACMG Guidelines, 2015. Collection method: clinical testing. Allele origin: germline.

GeneDx
Classification: Uncertain significance. Last evaluated: 2024-09-11. Review status: criteria provided, single submitter. Criteria: GeneDx Variant Classification Process June 2021. Collection method: clinical testing. Allele origin: germline.
Comment: In silico analysis indicates that this missense variant does not alter protein structure/function; Has not been previously published as pathogenic or benign to our knowledge

Ambry Genetics
Classification: Uncertain significance for Inborn genetic diseases. Last evaluated: 2021-08-09. Review status: criteria provided, single submitter. Criteria: Ambry Variant Classification Scheme 2023. Collection method: clinical testing. Allele origin: germline.